The following is an entry in ClinVar:

ClinVar aggregate classification (germline): Uncertain significance (1 of 4 stars; one submission).

Conditions:
Immunodeficiency, common variable, 2 (CVID2). Also called: ANTIBODY DEFICIENCY DUE TO TACI DEFECT; HYPOGAMMAGLOBULINEMIA DUE TO TACI DEFICIENCY. Identifiers: Orphanet 1572, MedGen C3150354, MONDO:0009413, OMIM 240500.

Allele frequency attached by ClinVar (database versions not stated): ExAC 0.00001; gnomAD exomes below 0.00001.
gnomAD v4.1: 7 of 1,613,884 alleles (0.00043%); highest among the groups gnomAD compares: East Asian, 0.0022%; no homozygotes.

Submission:

Labcorp Genetics (formerly Invitae), Labcorp
Classification: Uncertain significance for Immunodeficiency, common variable, 2. Last evaluated: 2023-01-10. Review status: criteria provided, single submitter. Criteria: Invitae Variant Classification Sherloc (09022015). Collection method: clinical testing. Allele origin: germline.
Comment: This variant has not been reported in the literature in individuals affected with TNFRSF13B-related conditions. This variant is present in population databases (rs780461208, gnomAD 0.0009%). This sequence change replaces serine, which is neutral and polar, with arginine, which is basic and polar, at codon 7 of the TNFRSF13B protein (p.Ser7Arg). In summary, the available evidence is currently insufficient to determine the role of this variant in disease. Therefore, it has been classified as a Variant of Uncertain Significance. Algorithms developed to predict the effect of missense changes on protein structure and function output the following: SIFT: "Tolerated"; PolyPhen-2: "Not Available"; Align-GVGD: "Class C0". The arginine amino acid residue is found in multiple mammalian species, which suggests that this missense change does not adversely affect protein function. ClinVar contains an entry for this variant (Variation ID: 1024524).

NM_012452.3(TNFRSF13B):c.21C>G (p.Ser7Arg)

Gene: TNFRSF13B (TNF receptor superfamily member 13B; minus strand). Cytogenetic location: 17p11.2.
Variant type: single nucleotide variant.
Coding change: c.21C>G on transcript NM_012452.3 (MANE Select); coding-DNA position 21, C replaced by G.
Protein change: p.Ser7Arg; replaces serine 7 with arginine.
Molecular consequence: missense variant.
Genome position (GRCh38, 1-based): chr17:16,972,055, G>C on the plus strand (C>G on the coding strand, the complement: TNFRSF13B is on the minus strand). VCF-style: chr17-16972055-G-C. GRCh37 (hg19) VCF-style: chr17-16875369-G-C.
Other names: short protein forms S7R.
Identifiers: ClinVar variation 1024524 (VCV001024524.3), dbSNP rs780461208, ClinGen allele CA8414168.